The following is an entry in ClinVar:

ClinVar aggregate classification (germline): Uncertain significance. Review status: criteria provided, multiple submitters, no conflicts (2 of 4 stars). 2 submissions from 2 submitters: Uncertain significance (2). Last evaluated 2024-04-29.

Conditions:
Bardet-Biedl syndrome 13 (BBS13). Identifiers: Orphanet 110, MedGen C2673873, MONDO:0014441, OMIM 615990.
Meckel syndrome, type 1 (MKS1). Also called: MECKEL-GRUBER SYNDROME, TYPE 1. Identifiers: Orphanet 564, MedGen C3714506, MONDO:0009571, OMIM 249000.
Joubert syndrome 28 (JBTS28). Identifiers: MedGen C4310705, MONDO:0014928, OMIM 617121.

Submissions (2):

Fulgent Genetics
Classification: Uncertain significance for Meckel syndrome, type 1; Bardet-Biedl syndrome 13; Joubert syndrome 28. Last evaluated: 2024-04-29. Review status: criteria provided, single submitter. Criteria: ACMG Guidelines, 2015. Collection method: clinical testing. Allele origin: germline.

GeneDx
Classification: Uncertain significance. Last evaluated: 2023-12-13. Review status: criteria provided, single submitter. Criteria: GeneDx Variant Classification Process June 2021. Collection method: clinical testing. Allele origin: germline. Affected: yes.
Comment: Not observed at significant frequency in large population cohorts (gnomAD); In silico analysis supports a deleterious effect on splicing; Has not been previously published as pathogenic or benign to our knowledge

NM_017777.4(MKS1):c.1095+3A>G

Gene: MKS1 (MKS transition zone complex subunit 1; minus strand). Cytogenetic location: 17q22.
Variant type: single nucleotide variant.
Coding change: c.1095+3A>G on transcript NM_017777.4 (MANE Select); 3 bases into the intron after coding-DNA position 1095, A replaced by G.
Molecular consequence: intron variant.
Genome position (GRCh38, 1-based): chr17:58,208,510, T>C on the plus strand (A>G on the coding strand, the complement: MKS1 is on the minus strand). VCF-style: chr17-58208510-T-C. GRCh37 (hg19) VCF-style: chr17-56285871-T-C.
Other names: c.486+3A>G (NM_001321268.2); c.1095+3A>G (NM_001330397.2, NM_001321269.2, NM_001411113.1).
Identifiers: ClinVar variation 3365536 (VCV003365536.2).